The following is an entry in ClinVar:

ClinVar aggregate classification (germline): Likely pathogenic (1 of 4 stars; one submission).

Conditions:
Elliptocytosis 1 (EL1). Also called: 4.1- TRAIT; 4.1-MINUS TRAIT; ELLIPTOCYTOSIS, RHESUS-LINKED TYPE; PROTEIN 4.1 OF ERYTHROCYTE MEMBRANE, DEFECT OF. Identifiers: Orphanet 288, MedGen C2678497, MONDO:0012731, OMIM 611804.

Submission:

Lifecell International Pvt. Ltd
Classification: Likely pathogenic for Elliptocytosis 1. Review status: criteria provided, single submitter. Criteria: ACMG Guidelines, 2015. Collection method: clinical testing. Allele origin: germline. Inheritance: Autosomal dominant inheritance. Affected: yes. Observed: 1 heterozygote.
Comment: A Heterozygous Nonsense variant c.141G>A in Exon 5 of the EPB41 gene that results in the amino acid substitution p.Trp47* was identified. The observed variant is novel in gnomAD exomes and genomes, respectively. The severity of the impact of this variant on the protein is high, based on the effect of the protein and REVEL score . Rare Exome Variant Ensemble Learner (REVEL) is an ensembl method for predicting the pathogenicity of missense variants based on a combination of scores from 13 individual tools: MutPred, FATHMM v2.3, VEST 3.0, PolyPhen-2, SIFT, PROVEAN, MutationAssessor, MutationTaster, LRT, GERP++, SiPhy, phyloP, and phastCons. The REVEL score for an individual missense variant can range from 0 to 1, with higher scores reflecting greater likelihood that the variant is disease-causing. For these reasons, this variant has been classified as Likely Pathogenic.

NM_001376013.1(EPB41):c.768G>A (p.Trp256Ter)

Gene: EPB41 (erythrocyte membrane protein band 4.1; plus strand). Cytogenetic location: 1p35.3.
Variant type: single nucleotide variant.
Coding change: c.768G>A on transcript NM_001376013.1 (MANE Select); coding-DNA position 768, G replaced by A.
Protein change: p.Trp256Ter; replaces tryptophan 256 with a stop codon.
Molecular consequence: nonsense. On other transcripts: intron variant (1).
Genome position (GRCh38, 1-based): chr1:28,997,301, G>A. VCF-style: chr1-28997301-G-A. GRCh37 (hg19) VCF-style: chr1-29323813-G-A.
Other names: c.768G>A, p.Trp256Ter (NM_001166005.2, NM_001166006.2, NM_001376014.1 and 7 more transcripts); c.141G>A, p.Trp47Ter (NM_001166007.2, NM_001376022.1, NM_001376023.1 and 7 more transcripts); c.681+3759G>A (NM_203343.3); short protein forms W256*, W47*.
Identifiers: ClinVar variation 2446433 (VCV002446433.2), dbSNP rs2547564126, ClinGen allele CA339525569.